The following is an entry in ClinVar:

ClinVar aggregate classification (germline): Likely pathogenic. Review status: criteria provided, multiple submitters, no conflicts (2 of 4 stars). 4 submissions from 4 submitters: Likely pathogenic (3). 1 of the submissions does not count toward it. Last evaluated 2025-05-20.

Conditions:
Pituitary hormone deficiency, combined, 2. Also called: PITUITARY DWARFISM III; HANHART DWARFISM; ATELIOTIC DWARFISM WITH HYPOGONADISM; PROP1-Related Combined Pituitary Hormone Deficiency. Identifiers: MedGen C0878683, MONDO:0009878, OMIM 262600.

Allele frequency attached by ClinVar (database versions not stated): gnomAD 0.00001.
gnomAD v4.1: 1 of 1,587,196 alleles (0.000063%); highest among the groups gnomAD compares: African/African-American, 0.0013%; no homozygotes.

Submissions (4):

Natera, Inc.
Classification: Likely pathogenic for Combined pituitary hormone deficiency type 2. Last evaluated: 2025-05-20. Review status: criteria provided, single submitter. Criteria: Natera Variant Classification Schema (03/2026). Collection method: clinical testing. Allele origin: germline.
Comment: The c.110-2A>G variant in PROP1 is a canonical splice acceptor site variant predicted to affect pre-mRNA splicing, which may result in an abnormal transcript and altered protein product. This variant is expected to result in nonsense mediated decay, truncation, or a dysfunctional protein product. This variant is rare in the general population with a frequency below the threshold expected for the associated phenotype(s). Given the available evidence, this variant is classified as Likely Pathogenic.

Fulgent Genetics
Classification: Likely pathogenic for Pituitary hormone deficiency, combined, 2. Last evaluated: 2024-05-26. Review status: criteria provided, single submitter. Criteria: ACMG Guidelines, 2015. Collection method: clinical testing. Allele origin: germline.

Labcorp Genetics (formerly Invitae), Labcorp
Classification: Likely pathogenic. Last evaluated: 2023-01-06. Review status: criteria provided, single submitter. Criteria: Invitae Variant Classification Sherloc (09022015). Collection method: clinical testing. Allele origin: germline.
Comment: In summary, the currently available evidence indicates that the variant is pathogenic, but additional data are needed to prove that conclusively. Therefore, this variant has been classified as Likely Pathogenic. Algorithms developed to predict the effect of sequence changes on RNA splicing suggest that this variant may disrupt the consensus splice site. ClinVar contains an entry for this variant (Variation ID: 370889). This variant has not been reported in the literature in individuals affected with PROP1-related conditions. This variant is not present in population databases (gnomAD no frequency). This sequence change affects an acceptor splice site in intron 1 of the PROP1 gene. It is expected to disrupt RNA splicing. Variants that disrupt the donor or acceptor splice site typically lead to a loss of protein function (PMID: 16199547), and loss-of-function variants in PROP1 are known to be pathogenic (PMID: 9462743, 9745452).

Counsyl
Classification: Likely pathogenic for Pituitary hormone deficiency, combined, 2. Last evaluated: 2016-05-09. Review status: no assertion criteria provided. Collection method: clinical testing. Allele origin: unknown. Not counted in ClinVar's aggregate classification.

Literature cited by the submitters: PubMed 16199547 (cited by Labcorp Genetics (formerly Invitae), Labcorp); PubMed 9462743 (cited by Labcorp Genetics (formerly Invitae), Labcorp); PubMed 9745452 (cited by Labcorp Genetics (formerly Invitae), Labcorp).

NM_006261.5(PROP1):c.110-2A>G

Gene: PROP1 (PROP paired-like homeobox 1; minus strand). Cytogenetic location: 5q35.3.
Variant type: single nucleotide variant.
Coding change: c.110-2A>G on transcript NM_006261.5 (MANE Select); the canonical splice acceptor site of the intron before coding-DNA position 110, A replaced by G.
Molecular consequence: splice acceptor variant.
Genome position (GRCh38, 1-based): chr5:177,994,340, T>C on the plus strand (A>G on the coding strand, the complement: PROP1 is on the minus strand). VCF-style: chr5-177994340-T-C. GRCh37 (hg19) VCF-style: chr5-177421341-T-C.
Identifiers: ClinVar variation 370889 (VCV000370889.8), dbSNP rs1057516846, ClinGen allele CA16041006.
Genomic context (GRCh38, chr5:177,994,340, plus strand): 5'-GAACCTTGATCTCCCCCCTCCTGCACCAGGGAGCCTTCTGCAGGGTGGAGCACTCGAGTC[T>C]GAGAACGGAGAGAAGGGAGGGGCGGCTTCTGAGGAGGACGCTCCTCGGTGCTGGACCACA-3'